The following is an entry in ClinVar:

NM_006904.7(PRKDC):c.9550A>T (p.Thr3184Ser)

Gene: PRKDC (protein kinase, DNA-activated, catalytic subunit; minus strand). Cytogenetic location: 8q11.21.
Variant type: single nucleotide variant.
Coding change: c.9550A>T on transcript NM_006904.7 (MANE Select); coding-DNA position 9550, A replaced by T.
Protein change: p.Thr3184Ser; replaces threonine 3184 with serine.
Molecular consequence: missense variant.
Genome position (GRCh38, 1-based): chr8:47,817,457, T>A on the plus strand (A>T on the coding strand, the complement: PRKDC is on the minus strand). VCF-style: chr8-47817457-T-A. GRCh37 (hg19) VCF-style: chr8-48730018-T-A.
Other names: c.9550A>T, p.Thr3184Ser (NM_001081640.2); short protein forms T3184S.
Identifiers: ClinVar variation 4705530 (VCV004705530.1).

ClinVar aggregate classification (germline): Uncertain significance (1 of 4 stars; one submission).

Conditions:
Severe combined immunodeficiency due to DNA-PKcs deficiency. Also called: IMMUNODEFICIENCY 26 WITH NEUROLOGIC ABNORMALITIES; Immunodeficiency 26 with or without neurologic abnormalities. Identifiers: Orphanet 317425, MedGen C4014833, MONDO:0014423, OMIM 615966.

Submission:

Labcorp Genetics (formerly Invitae), Labcorp
Classification: Uncertain significance for Severe combined immunodeficiency due to DNA-PKcs deficiency. Last evaluated: 2025-04-13. Review status: criteria provided, single submitter. Criteria: Invitae Variant Classification Sherloc (09022015). Collection method: clinical testing. Allele origin: germline.
Comment: This sequence change replaces threonine, which is neutral and polar, with serine, which is neutral and polar, at codon 3184 of the PRKDC protein (p.Thr3184Ser). This variant is not present in population databases (gnomAD no frequency). This variant has not been reported in the literature in individuals affected with PRKDC-related conditions. Invitae Evidence Modeling of protein sequence and biophysical properties (such as structural, functional, and spatial information, amino acid conservation, physicochemical variation, residue mobility, and thermodynamic stability) indicates that this missense variant is not expected to disrupt PRKDC protein function with a negative predictive value of 80%. In summary, the available evidence is currently insufficient to determine the role of this variant in disease. Therefore, it has been classified as a Variant of Uncertain Significance.